The following is an entry in ClinVar:

ClinVar aggregate classification (germline): Benign/Likely benign. Review status: criteria provided, multiple submitters, no conflicts (2 of 4 stars). 4 submissions from 4 submitters: Benign (1); Likely benign (3). Last evaluated 2025-08-31.

Conditions:
Hereditary cancer-predisposing syndrome. Also called: Hereditary Cancer Syndrome; Hereditary neoplastic syndrome; Neoplastic Syndromes, Hereditary; Tumor predisposition. Identifiers: Orphanet 140162, MedGen C0027672, MeSH D009386, MONDO:0015356.
Familial cancer of breast. Also called: Hereditary breast cancer; hereditary breast carcinoma; BREAST CANCER, FAMILIAL. Identifiers: Orphanet 227535, MedGen C0346153, MONDO:0016419, OMIM 114480. Disease mechanism: loss of function.

gnomAD v4.1: 2 of 1,596,388 alleles (0.00013%); highest among the groups gnomAD compares: Admixed American, 0.0017%; no homozygotes.

Submissions (4):

Labcorp Genetics (formerly Invitae), Labcorp
Classification: Likely benign for Familial cancer of breast. Last evaluated: 2025-08-31. Review status: criteria provided, single submitter. Criteria: Invitae Variant Classification Sherloc (09022015). Collection method: clinical testing. Allele origin: germline.

Myriad Genetics, Inc.
Classification: Benign for Familial cancer of breast. Last evaluated: 2024-10-09. Review status: criteria provided, single submitter. Criteria: Myriad Autosomal Dominant, Autosomal Recessive and X-Linked Classification Criteria (2023). Collection method: clinical testing. Allele origin: unknown.
Comment: This variant is considered benign. This variant is a silent/synonymous amino acid change and it is not expected to impact splicing.

Ambry Genetics
Classification: Likely benign for Hereditary cancer-predisposing syndrome. Last evaluated: 2018-07-10. Review status: criteria provided, single submitter. Criteria: Ambry Variant Classification Scheme 2023. Collection method: clinical testing. Allele origin: germline.

GeneDx
Classification: Likely benign. Last evaluated: 2017-08-15. Review status: criteria provided, single submitter. Criteria: GeneDx Variant Classification (06012015). Collection method: clinical testing. Allele origin: germline. Affected: yes.
Comment: This variant is considered likely benign or benign based on one or more of the following criteria: it is a conservative change, it occurs at a poorly conserved position in the protein, it is predicted to be benign by multiple in silico algorithms, and/or has population frequency not consistent with disease.

NM_007194.4(CHEK2):c.1590C>G (p.Ala530=)

Gene: CHEK2 (checkpoint kinase 2; minus strand). Cytogenetic location: 22q12.1.
Variant type: single nucleotide variant.
Coding change: c.1590C>G on transcript NM_007194.4 (MANE Select); coding-DNA position 1590, C replaced by G.
Protein change: p.Ala530=; no amino-acid change (alanine 530 retained).
Molecular consequence: synonymous variant.
Genome position (GRCh38, 1-based): chr22:28,687,939, G>C on the plus strand (C>G on the coding strand, the complement: CHEK2 is on the minus strand). VCF-style: chr22-28687939-G-C. GRCh37 (hg19) VCF-style: chr22-29083927-G-C.
Other names: c.1719C>G, p.Ala573= (NM_001005735.3); c.927C>G, p.Ala309= (NM_001257387.3); c.1389C>G, p.Ala463= (NM_001349956.3); c.1503C>G, p.Ala501= (NM_145862.3).
Identifiers: ClinVar variation 388136 (VCV000388136.17), dbSNP rs786201796, ClinGen allele CA16608131.